The following is an entry in ClinVar:

NM_003242.6(TGFBR2):c.1328A>G (p.Lys443Arg)

Gene: TGFBR2 (transforming growth factor beta receptor 2; plus strand). Cytogenetic location: 3p24.1.
Variant type: single nucleotide variant.
Coding change: c.1328A>G on transcript NM_003242.6 (MANE Select); coding-DNA position 1328, A replaced by G.
Protein change: p.Lys443Arg; replaces lysine 443 with arginine.
Molecular consequence: missense variant. On other transcripts: intron variant (1).
Genome position (GRCh38, 1-based): chr3:30,674,178, A>G. VCF-style: chr3-30674178-A-G. GRCh37 (hg19) VCF-style: chr3-30715670-A-G.
Other names: c.1403A>G, p.Lys468Arg (NM_001024847.3); c.1511A>G, p.Lys504Arg (NM_001407126.1); c.1436A>G, p.Lys479Arg (NM_001407127.1); c.1355A>G, p.Lys452Arg (NM_001407128.1); c.1331A>G, p.Lys444Arg (NM_001407129.1); c.1328A>G, p.Lys443Arg (NM_001407130.1); c.1223A>G, p.Lys408Arg (NM_001407132.1, NM_001407133.1, NM_001407134.1 and 2 more transcripts); c.1043A>G, p.Lys348Arg (NM_001407137.1); and 2 more; short protein forms K323R, K348R, K408R, K443R, K444R, K452R, K468R, K479R.
Identifiers: ClinVar variation 3344219 (VCV003344219.1).

ClinVar aggregate classification (germline): Uncertain significance (0 of 4 stars; one submission).

Conditions:
TGFBR2-related disorder. Also called: TGFBR2-related condition.

Submission:

PreventionGenetics, part of Exact Sciences
Classification: Uncertain significance for TGFBR2-related condition. Last evaluated: 2024-06-06. Review status: no assertion criteria provided. Collection method: clinical testing. Allele origin: germline.
Comment: The TGFBR2 c.1328A>G variant is predicted to result in the amino acid substitution p.Lys443Arg. To our knowledge, this variant has not been reported in the literature or in a large population database, indicating this variant is rare. At this time, the clinical significance of this variant is uncertain due to the absence of conclusive functional and genetic evidence.